The following is an entry in ClinVar:

NM_032656.4(DHX37):c.3050C>T (p.Pro1017Leu)

Gene: DHX37 (DEAH-box helicase 37; minus strand). Cytogenetic location: 12q24.31.
Variant type: single nucleotide variant.
Coding change: c.3050C>T on transcript NM_032656.4 (MANE Select); coding-DNA position 3050, C replaced by T.
Protein change: p.Pro1017Leu; replaces proline 1017 with leucine.
Molecular consequence: missense variant.
Genome position (GRCh38, 1-based): chr12:124,950,484, G>A on the plus strand (C>T on the coding strand, the complement: DHX37 is on the minus strand). VCF-style: chr12-124950484-G-A. GRCh37 (hg19) VCF-style: chr12-125435030-G-A.
Other names: short protein forms P1017L.
Identifiers: ClinVar variation 3355395 (VCV003355395.1).

ClinVar aggregate classification (germline): Uncertain significance (0 of 4 stars; one submission).

Conditions:
DHX37-related disorder. Also called: DHX37-related condition; DHX37-Related Disorders.

Submission:

PreventionGenetics, part of Exact Sciences
Classification: Uncertain significance for DHX37-related condition. Last evaluated: 2024-06-27. Review status: no assertion criteria provided. Collection method: clinical testing. Allele origin: germline.
Comment: The DHX37 c.3050C>T variant is predicted to result in the amino acid substitution p.Pro1017Leu. To our knowledge, this variant has not been reported in the literature or in a large population database, indicating this variant is rare. At this time, the clinical significance of this variant is uncertain due to the absence of conclusive functional and genetic evidence.